The following is an entry in ClinVar:

NC_000014.8:g.(?_21796563)_(21796806_?)del

Gene: RPGRIP1 (RPGR interacting protein 1; plus strand). Cytogenetic location: 14q11.2.
Variant type: Deletion.
Identifiers: ClinVar variation 2426539 (VCV002426539.4).

ClinVar aggregate classification (germline): Uncertain significance (1 of 4 stars; one submission).

Conditions:
Leber congenital amaurosis 6 (LCA6). Identifiers: Orphanet 65, MedGen C1854260, MONDO:0013446, OMIM 613826.
Cone-rod dystrophy 13 (CORD13). Identifiers: Orphanet 1872, MedGen C2750720, MONDO:0011987, OMIM 608194.

Submission:

Labcorp Genetics (formerly Invitae), Labcorp
Classification: Uncertain significance for Leber congenital amaurosis 6; Cone-rod dystrophy 13. Last evaluated: 2022-07-11. Review status: criteria provided, single submitter. Criteria: Invitae Variant Classification Sherloc (09022015). Collection method: clinical testing. Allele origin: germline.
Comment: In summary, the available evidence is currently insufficient to determine the role of this variant in disease. Therefore, it has been classified as a Variant of Uncertain Significance. Experimental studies and prediction algorithms are not available or were not evaluated, and the functional significance of this variant is currently unknown. This variant has not been reported in the literature in individuals affected with RPGRIP1-related conditions. This variant is a gross deletion of the genomic region encompassing exon(s) 18 of the RPGRIP1 gene. This variant would be expected to be in-frame, preserving the integrity of the reading frame.